The following is an entry in ClinVar:

NC_000009.11:g.(?_34646671)_(34651033_?)del

Gene: GALT (galactose-1-phosphate uridylyltransferase; plus strand). Cytogenetic location: 9p13.3.
Variant type: Deletion.
Identifiers: ClinVar variation 3907473 (VCV003907473.1).

ClinVar aggregate classification (germline): Pathogenic (1 of 4 stars; one submission).

Conditions:
Deficiency of UDPglucose-hexose-1-phosphate uridylyltransferase. Also called: GALACTOSE-1-PHOSPHATE URIDYLYLTRANSFERASE DEFICIENCY; Transferase Deficiency Galactosemia; GALT deficiency; Galactosemia, classic; GALACTOSEMIA I. Identifiers: Orphanet 352, Orphanet 79239, MedGen C0268151, MONDO:0009258, OMIM 230400.

Submission:

Women's Health and Genetics/Laboratory Corporation of America, LabCorp
Classification: Pathogenic for Deficiency of UDPglucose-hexose-1-phosphate uridylyltransferase. Last evaluated: 2025-06-02. Review status: criteria provided, single submitter. Criteria: LabCorp Variant Classification Summary - May 2015. Collection method: clinical testing. Allele origin: germline.
Comment: Variant summary: The variant involves the deletion of exons 1-11 in the GALT gene. A presumed nomenclature of c.(?_-31)_(*587_?)del has been designated for the purposes of this classification. This deletion includes the entire coding sequence of the gene. As the exact proximal and distal breakpoints are unknown, it may extend beyond the annotated region of the gene to include other flanking genes. The variant allele was found at a frequency of 0.00018 in 21694 control chromosomes. A similar copy number deletion variant encompassing exon 1-11 of the GALT gene has been observed in at least one individual affected with Galactosemia (Bosch_2005). To our knowledge, no experimental evidence demonstrating an impact on protein function has been reported. The following publication have been ascertained in the context of this evaluation (PMID: 15841485). ClinVar contains an entry for this variant (Variation ID: 529227). Based on the evidence outlined above, the variant was classified as pathogenic.

Literature cited by the submitters: PubMed 15841485.